The following is an entry in ClinVar:

NM_145239.3(PRRT2):c.638G>A (p.Gly213Glu)

Genes: MVP-DT (MVP divergent transcript; minus strand), PRRT2 (proline rich transmembrane protein 2; plus strand). Cytogenetic location: 16p11.2.
Variant type: single nucleotide variant.
Coding change: c.638G>A on transcript NM_145239.3 (MANE Select); coding-DNA position 638, G replaced by A.
Protein change: p.Gly213Glu; replaces glycine 213 with glutamic acid.
Molecular consequence: missense variant.
Genome position (GRCh38, 1-based): chr16:29,813,692, G>A. VCF-style: chr16-29813692-G-A. GRCh37 (hg19) VCF-style: chr16-29825013-G-A.
Other names: p.G213E:GGG>GAG; c.638G>A, p.Gly213Glu (NM_001256442.2, NM_001256443.2); short protein forms G213E.
Identifiers: ClinVar variation 206686 (VCV000206686.3), dbSNP rs796052935, ClinGen allele CA317025.
Genomic context (GRCh38, chr16:29,813,692, plus strand): 5'-AAGAGGGCCCAGCCCCTGAGCCTCACTCACCACCCTCAAAAAAATCCCCCCCAGCCAATG[G>A]GGCCCCCCCCCGAGTGCTGCAGCAGCTGGTTGAGGAGGATCGAATGAGAAGGGCACACAG-3'
Protein context (NP_660282.2, residues 203-223): PPSKKSPPAN[Gly213Glu]APPRVLQQLV

ClinVar aggregate classification (germline): Uncertain significance. Review status: criteria provided, multiple submitters, no conflicts (2 of 4 stars). 2 submissions from 2 submitters: Uncertain significance (2). Last evaluated 2025-08-10.

Conditions:
Inborn genetic diseases. Identifiers: MedGen C0950123, MeSH D030342.

Allele frequency attached by ClinVar (database versions not stated): gnomAD exomes below 0.00001.

Submissions (2):

Ambry Genetics
Classification: Uncertain significance for Inborn genetic diseases. Last evaluated: 2025-08-10. Review status: criteria provided, single submitter. Criteria: Ambry Variant Classification Scheme 2023. Collection method: clinical testing. Allele origin: germline.

GeneDx
Classification: Uncertain significance. Last evaluated: 2013-12-13. Review status: criteria provided, single submitter. Criteria: GeneDx Variant Classification (06012015). Collection method: clinical testing. Allele origin: germline. Affected: yes.
Comment: p.Gly213Glu (G213E) GGG>GAG: c.638 G>A in exon 2 of the PRRT2 gene (NM_145239.2)The G213E missense change in the PRRT2 gene has not been published as a mutation, nor has it been reported as a benign polymorphism to our knowledge. This variant is a non-conservative amino acid substitution of an uncharged, non-polar Glycine residue with a negatively charged Glutamic acid residue at a position that is conserved in mammals. In silico analysis is inconsistent with regard to the effect this variant may have on the protein structure/function. Some individuals with PRRT2 mutations never develop seizures due to incomplete penetrance. The variant is found in EPILEPSY panel(s).